The following is an entry in ClinVar:

ClinVar aggregate classification (germline): Pathogenic/Likely pathogenic. Review status: criteria provided, multiple submitters, no conflicts (2 of 4 stars). 2 submissions from 2 submitters: Pathogenic (1); Likely pathogenic (1). Last evaluated 2025-04-30.

Submissions (2):

GeneDx
Classification: Pathogenic. Last evaluated: 2025-04-30. Review status: criteria provided, single submitter. Criteria: GeneDx Variant Classification Process June 2021. Collection method: clinical testing. Allele origin: germline. Affected: yes.
Comment: Observed as a de novo variant in an individual in a cohort of patients with orofacial clefts (PMID: 32574564); Frameshift variant predicted to result in protein truncation or nonsense mediated decay in a gene for which loss of function is a known mechanism of disease; Not observed at significant frequency in large population cohorts (gnomAD); This variant is associated with the following publications: (PMID: 32574564)

CeGaT Center for Human Genetics Tuebingen
Classification: Likely pathogenic. Last evaluated: 2021-05-01. Review status: criteria provided, single submitter. Criteria: CeGaT Center For Human Genetics Tuebingen Variant Classification Criteria Version 2. Collection method: clinical testing. Allele origin: germline. Affected: yes. Observed: 1 variant allele.

NM_014159.7(SETD2):c.2303_2304del (p.Val768fs)

Gene: SETD2 (SET domain containing 2, histone lysine methyltransferase; minus strand). Cytogenetic location: 3p21.31.
Variant type: Microsatellite.
Coding change: c.2303_2304del on transcript NM_014159.7 (MANE Select); coding-DNA positions 2303 to 2304, 2 bases deleted (TG; older notation c.2303_2304delTG).
Protein change: p.Val768fs; shifts the reading frame from valine 768.
Molecular consequence: frameshift variant. On other transcripts: non-coding transcript variant (1).
Genome position (GRCh38, 1-based): chr3:47,122,332-47,122,333, CA deleted on the plus strand (TG on the coding strand, the reverse complement: SETD2 is on the minus strand); deleting any 2 consecutive bases within chr3:47,122,332-47,122,335 gives the same sequence; the c. name uses the placement nearest the transcript's 3' end. VCF-style (leftmost placement, unchanged base first): chr3-47122331-CCA-C. GRCh37 (hg19) VCF-style: chr3-47163821-CCA-C.
Other names: c.2303_2304del (NM_014159.6); c.2171_2172del, p.Val724fs (NM_001349370.3); short protein forms V724fs, V768fs.
Identifiers: ClinVar variation 1176018 (VCV001176018.36), dbSNP rs2106675579, ClinGen allele CA2540484008.